The following is an entry in ClinVar:

NM_004612.4(TGFBR1):c.694A>T (p.Lys232Ter)

Gene: TGFBR1 (transforming growth factor beta receptor 1; plus strand). Cytogenetic location: 9q22.33.
Variant type: single nucleotide variant.
Coding change: c.694A>T on transcript NM_004612.4 (MANE Select); coding-DNA position 694, A replaced by T.
Protein change: p.Lys232Ter; replaces lysine 232 with a stop codon.
Molecular consequence: nonsense.
Genome position (GRCh38, 1-based): chr9:99,137,978, A>T. VCF-style: chr9-99137978-A-T. GRCh37 (hg19) VCF-style: chr9-101900260-A-T.
Other names: c.463A>T, p.Lys155Ter (NM_001130916.3); c.706A>T, p.Lys236Ter (NM_001306210.2, NM_001407416.1); c.694A>T, p.Lys232Ter (NM_001407417.1); c.499A>T, p.Lys167Ter (NM_001407418.1, NM_001407419.1, NM_001407420.1 and 1 more transcripts); c.487A>T, p.Lys163Ter (NM_001407423.1, NM_001407424.1, NM_001407425.1 and 8 more transcripts); c.448A>T, p.Lys150Ter (NM_001407436.1); c.217A>T, p.Lys73Ter (NM_001407438.1); short protein forms K155*, K167*, K232*, K163*, K236*, K73*, K150*.
Identifiers: ClinVar variation 1972500 (VCV001972500.5), dbSNP rs1588585386, ClinGen allele CA374229706.

ClinVar aggregate classification (germline): Pathogenic (1 of 4 stars; one submission).

Conditions:
Familial thoracic aortic aneurysm and aortic dissection (TAAD). Also called: Thoracic aortic aneurysms and dissections. Identifiers: Orphanet 91387, MedGen C4707243, MONDO:0019625.

Submission:

Labcorp Genetics (formerly Invitae), Labcorp
Classification: Pathogenic for Familial thoracic aortic aneurysm and aortic dissection. Last evaluated: 2022-07-01. Review status: criteria provided, single submitter. Criteria: Invitae Variant Classification Sherloc (09022015). Collection method: clinical testing. Allele origin: germline.
Comment: This sequence change creates a premature translational stop signal (p.Lys232*) in the TGFBR1 gene. It is expected to result in an absent or disrupted protein product. Loss-of-function variants in TGFBR1 are known to be pathogenic (PMID: 21358634). For these reasons, this variant has been classified as Pathogenic. This variant has not been reported in the literature in individuals affected with TGFBR1-related conditions. This variant is not present in population databases (gnomAD no frequency).

Literature cited by the submitters: PubMed 21358634.